The following is an entry in ClinVar:

NM_032608.7(MYO18B):c.6332T>G (p.Met2111Arg)

Gene: MYO18B (myosin XVIIIB; plus strand). Cytogenetic location: 22q12.1.
Variant type: single nucleotide variant.
Coding change: c.6332T>G on transcript NM_032608.7 (MANE Select); coding-DNA position 6332, T replaced by G.
Protein change: p.Met2111Arg; replaces methionine 2111 with arginine.
Molecular consequence: missense variant.
Genome position (GRCh38, 1-based): chr22:26,003,309, T>G. VCF-style: chr22-26003309-T-G. GRCh37 (hg19) VCF-style: chr22-26399275-T-G.
Other names: c.6335T>G, p.Met2112Arg (NM_001318245.2); short protein forms M2112R, M2111R.
Identifiers: ClinVar variation 1936197 (VCV001936197.5), dbSNP rs369391223, ClinGen allele CA10161489.

ClinVar aggregate classification (germline): Uncertain significance (1 of 4 stars; one submission).

Allele frequency attached by ClinVar (database versions not stated): gnomAD 0.00001; TOPMed 0.00001; ESP Exome Variant Server 0.00008.
gnomAD v4.1: 47 of 1,605,888 alleles (0.0029%); highest among the groups gnomAD compares: Non-Finnish European, 0.004%; no homozygotes.

Submission:

Labcorp Genetics (formerly Invitae), Labcorp
Classification: Uncertain significance. Last evaluated: 2022-09-19. Review status: criteria provided, single submitter. Criteria: Invitae Variant Classification Sherloc (09022015). Collection method: clinical testing. Allele origin: germline.
Comment: This sequence change replaces methionine, which is neutral and non-polar, with arginine, which is basic and polar, at codon 2111 of the MYO18B protein (p.Met2111Arg). This variant is present in population databases (rs369391223, gnomAD 0.001%). This variant has not been reported in the literature in individuals affected with MYO18B-related conditions. Algorithms developed to predict the effect of missense changes on protein structure and function are either unavailable or do not agree on the potential impact of this missense change (SIFT: "Not Available"; PolyPhen-2: "Benign"; Align-GVGD: "Not Available"). Algorithms developed to predict the effect of sequence changes on RNA splicing suggest that this variant may create or strengthen a splice site. In summary, the available evidence is currently insufficient to determine the role of this variant in disease. Therefore, it has been classified as a Variant of Uncertain Significance.